The following is an entry in ClinVar:

NM_000489.6(ATRX):c.4177G>C (p.Val1393Leu)

Gene: ATRX (ATRX chromatin remodeler; minus strand). Cytogenetic location: Xq21.1.
Variant type: single nucleotide variant.
Coding change: c.4177G>C on transcript NM_000489.6 (MANE Select); coding-DNA position 4177, G replaced by C.
Protein change: p.Val1393Leu; replaces valine 1393 with leucine.
Molecular consequence: missense variant.
Genome position (GRCh38, 1-based): chrX:77,656,597, C>G on the plus strand (G>C on the coding strand, the complement: ATRX is on the minus strand). VCF-style: chrX-77656597-C-G. GRCh37 (hg19) VCF-style: chrX-76912087-C-G.
Other names: c.4063G>C, p.Val1355Leu (NM_138270.5); short protein forms V1393L, V1355L.
Identifiers: ClinVar variation 465059 (VCV000465059.13), dbSNP rs147331649, ClinGen allele CA413710602.

ClinVar aggregate classification (germline): Uncertain significance. Review status: criteria provided, single submitter (1 of 4 stars). 2 submissions from 2 submitters: Uncertain significance (1). 1 of the submissions does not count toward it. Last evaluated 2017-06-16.

Conditions:
Alpha thalassemia-X-linked intellectual disability syndrome (ATRX). Also called: ALPHA-THALASSEMIA/MENTAL RETARDATION SYNDROME, X-LINKED; ATR, NONDELETION TYPE; X-linked alpha-thalassemia-mental retardation syndrome; ALPHA-THALASSEMIA/IMPAIRED INTELLECTUAL DEVELOPMENT SYNDROME, X-LINKED; ATR-X syndrome; Alpha thalassemia mental retardation syndrome, nondeletion type, X-linked. Identifiers: Orphanet 847, MedGen C1845055, MONDO:0010519, OMIM 301040.

Allele frequency attached by ClinVar (database versions not stated): gnomAD exomes 0.00001.

Submissions (2):

Labcorp Genetics (formerly Invitae), Labcorp
Classification: Uncertain significance for Alpha thalassemia-X-linked intellectual disability syndrome. Last evaluated: 2017-06-16. Review status: criteria provided, single submitter. Criteria: Invitae Variant Classification Sherloc (09022015). Collection method: clinical testing. Allele origin: germline.
Comment: This sequence change replaces valine with leucine at codon 1393 of the ATRX protein (p.Val1393Leu). The valine residue is highly conserved and there is a small physicochemical difference between valine and leucine. This variant is not present in population databases (ExAC no frequency). This variant has not been reported in the literature in individuals with an ATRX-related disease. Algorithms developed to predict the effect of missense changes on protein structure and function (SIFT, PolyPhen-2, Align-GVGD) all suggest that this variant is likely to be tolerated, but these predictions have not been confirmed by published functional studies and their clinical significance is uncertain. In summary, this variant has uncertain impact on ATRX function. The available evidence is currently insufficient to determine its role in disease. Therefore, it has been classified as a Variant of Uncertain Significance.

Natera, Inc.
Classification: Uncertain significance for X-linked alpha-thalassemia-mental retardation syndrome. Last evaluated: 2021-09-23. Review status: no assertion criteria provided. Collection method: clinical testing. Allele origin: germline. Not counted in ClinVar's aggregate classification.